The following is an entry in ClinVar:

NM_004612.4(TGFBR1):c.935G>T (p.Gly312Val)

Gene: TGFBR1 (transforming growth factor beta receptor 1; plus strand). Cytogenetic location: 9q22.33.
Variant type: single nucleotide variant.
Coding change: c.935G>T on transcript NM_004612.4 (MANE Select); coding-DNA position 935, G replaced by T.
Protein change: p.Gly312Val; replaces glycine 312 with valine.
Molecular consequence: missense variant.
Genome position (GRCh38, 1-based): chr9:99,142,665, G>T. VCF-style: chr9-99142665-G-T. GRCh37 (hg19) VCF-style: chr9-101904947-G-T.
Other names: c.704G>T, p.Gly235Val (NM_001130916.3); c.947G>T, p.Gly316Val (NM_001306210.2); short protein forms G235V, G312V, G316V.
Identifiers: ClinVar variation 993674 (VCV000993674.8), dbSNP rs869025535, ClinGen allele CA374230764.

ClinVar aggregate classification (germline): Uncertain significance (1 of 4 stars; one submission).

Submission:

ARUP Laboratories, Molecular Genetics and Genomics, ARUP Laboratories
Classification: Uncertain significance. Last evaluated: 2020-03-18. Review status: criteria provided, single submitter. Criteria: ARUP Molecular Germline Variant Investigation Process. Collection method: clinical testing. Allele origin: germline.
Comment: The TGFBR1 c.935G>T; p.Gly312Val variant is reported in the literature in an individual affected with Loeys-Dietz syndrome (Yang 2020). This variant is absent from general population databases (Exome Variant Server, Genome Aggregation Database), indicating it is not a common polymorphism. The glycine at codon 312 is highly conserved, and computational analyses (SIFT, PolyPhen-2) predict that this variant is deleterious. Additionally, another amino acid substitution at this codon (p.Gly312Ser) has been reported in individuals and families with Loeys-Dietz syndrome or a related aortopathy and is considered diseae-causing (Singh 2006, Teixido-Tura 2016, Yang 2020). While current evidence suggests a possible association with disease, given the lack of clinical and functional data, the significance of the p.Gly312Val variant is uncertain at this time. References: Singh KK et al. TGFBR1 and TGFBR2 mutations in patients with features of Marfan syndrome and Loeys-Dietz syndrome. Hum Mutat. 2006 Aug;27(8):770-7. Teixido-Tura G et al. Heterogeneity of aortic disease severity in patients with Loeys-Dietz syndrome. Heart. 2016 Apr;102(8):626-32. Yang H et al. Genetic profiling and cardiovascular phenotypic spectrum in a Chinese cohort of Loeys-Dietz syndrome patients. Orphanet J Rare Dis. 2020 Jan 8;15(1):6.